The following is an entry in ClinVar:

ClinVar aggregate classification (germline): Uncertain significance (1 of 4 stars; one submission).

Conditions:
Neuropathy, hereditary sensory and autonomic, type 2A (HSAN2A). Also called: MORVAN DISEASE; NEUROPATHY, CONGENITAL SENSORY; NEUROPATHY, HEREDITARY SENSORY RADICULAR, AUTOSOMAL RECESSIVE; NEUROPATHY, HEREDITARY SENSORY, TYPE IIA; NEUROPATHY, PROGRESSIVE SENSORY, OF CHILDREN; ACROOSTEOLYSIS, GIACCAI TYPE. Identifiers: Orphanet 970, MedGen C2752089, MONDO:0024309, OMIM 201300.
Generalized epilepsy with febrile seizures plus, type 7 (GEFSP7). Also called: GEFS+, TYPE 7. Identifiers: Orphanet 36387, MedGen C2751778, MONDO:0013470, OMIM 613863.

Submission:

Labcorp Genetics (formerly Invitae), Labcorp
Classification: Uncertain significance for Neuropathy, hereditary sensory and autonomic, type 2A; Generalized epilepsy with febrile seizures plus, type 7. Last evaluated: 2024-04-15. Review status: criteria provided, single submitter. Criteria: Invitae Variant Classification Sherloc (09022015). Collection method: clinical testing. Allele origin: germline.
Comment: This sequence change replaces alanine, which is neutral and non-polar, with serine, which is neutral and polar, at codon 1604 of the SCN9A protein (p.Ala1604Ser). This variant is not present in population databases (gnomAD no frequency). This variant has not been reported in the literature in individuals affected with SCN9A-related conditions. Advanced modeling of protein sequence and biophysical properties (such as structural, functional, and spatial information, amino acid conservation, physicochemical variation, residue mobility, and thermodynamic stability) performed at Invitae indicates that this missense variant is not expected to disrupt SCN9A protein function with a negative predictive value of 95%. In summary, the available evidence is currently insufficient to determine the role of this variant in disease. Therefore, it has been classified as a Variant of Uncertain Significance.

NM_001365536.1(SCN9A):c.4843G>T (p.Ala1615Ser)

Genes: SCN9A (sodium voltage-gated channel alpha subunit 9; minus strand), SCN1A-AS1 (SCN1A and SCN9A antisense RNA 1; plus strand). Cytogenetic location: 2q24.3.
Variant type: single nucleotide variant.
Coding change: c.4843G>T on transcript NM_001365536.1 (MANE Select); coding-DNA position 4843, G replaced by T.
Protein change: p.Ala1615Ser; replaces alanine 1615 with serine.
Molecular consequence: missense variant. On other transcripts: non-coding transcript variant (1).
Genome position (GRCh38, 1-based): chr2:166,199,796, C>A on the plus strand (G>T on the coding strand, the complement: SCN9A is on the minus strand). VCF-style: chr2-166199796-C-A. GRCh37 (hg19) VCF-style: chr2-167056306-C-A.
Other names: c.4810G>T, p.Ala1604Ser (NM_002977.4); short protein forms A1604S, A1615S.
Identifiers: ClinVar variation 3755857 (VCV003755857.2).